The following is an entry in ClinVar:

ClinVar aggregate classification (germline): Uncertain significance. Review status: criteria provided, multiple submitters, no conflicts (2 of 4 stars). 2 submissions from 2 submitters: Uncertain significance (2). Last evaluated 2025-08-14.

Conditions:
Hereditary cancer-predisposing syndrome. Also called: Hereditary neoplastic syndrome; Tumor predisposition; Hereditary Cancer Syndrome; Neoplastic Syndromes, Hereditary. Identifiers: Orphanet 140162, MedGen C0027672, MeSH D009386, MONDO:0015356.
Familial cancer of breast. Also called: hereditary breast carcinoma; Hereditary breast cancer; BREAST CANCER, FAMILIAL. Identifiers: Orphanet 227535, MedGen C0346153, MONDO:0016419, OMIM 114480. Disease mechanism: loss of function.

Allele frequency attached by ClinVar (database versions not stated): TOPMed below 0.00001.

Submissions (2):

Ambry Genetics
Classification: Uncertain significance for Hereditary cancer-predisposing syndrome. Last evaluated: 2025-08-14. Review status: criteria provided, single submitter. Criteria: Ambry Variant Classification Scheme 2023. Collection method: clinical testing. Allele origin: germline.
Comment: The p.Q6R variant (also known as c.17A>G), located in coding exon 1 of the BARD1 gene, results from an A to G substitution at nucleotide position 17. The glutamine at codon 6 is replaced by arginine, an amino acid with highly similar properties. This alteration has been previously detected in a cohort of 381 unselected endometrial cancer patients who underwent multi-gene panel testing (Ring KL et al. Mod Pathol, 2016 11;29:1381-1389). This amino acid position is conserved on limited sequence alignment. In addition, this alteration is predicted to be tolerated by in silico analysis. Since supporting evidence is limited at this time, the clinical significance of this alteration remains unclear.

Labcorp Genetics (formerly Invitae), Labcorp
Classification: Uncertain significance for Familial cancer of breast. Last evaluated: 2024-11-11. Review status: criteria provided, single submitter. Criteria: Invitae Variant Classification Sherloc (09022015). Collection method: clinical testing. Allele origin: germline.
Comment: This sequence change replaces glutamine, which is neutral and polar, with arginine, which is basic and polar, at codon 6 of the BARD1 protein (p.Gln6Arg). This variant is not present in population databases (gnomAD no frequency). This missense change has been observed in individual(s) with endometrial cancer (PMID: 27443514). ClinVar contains an entry for this variant (Variation ID: 219745). An algorithm developed to predict the effect of missense changes on protein structure and function (PolyPhen-2) suggests that this variant is likely to be tolerated. In summary, the available evidence is currently insufficient to determine the role of this variant in disease. Therefore, it has been classified as a Variant of Uncertain Significance.

Literature cited by the submitters: PubMed 27443514 (cited by Ambry Genetics and Labcorp Genetics (formerly Invitae), Labcorp).

NM_000465.4(BARD1):c.17A>G (p.Gln6Arg)

Gene: BARD1 (BRCA1 associated RING domain 1; minus strand). Cytogenetic location: 2q35.
Variant type: single nucleotide variant.
Coding change: c.17A>G on transcript NM_000465.4 (MANE Select); coding-DNA position 17, A replaced by G.
Protein change: p.Gln6Arg; replaces glutamine 6 with arginine.
Molecular consequence: missense variant. On other transcripts: non-coding transcript variant (3).
Genome position (GRCh38, 1-based): chr2:214,809,553, T>C on the plus strand (A>G on the coding strand, the complement: BARD1 is on the minus strand). VCF-style: chr2-214809553-T-C. GRCh37 (hg19) VCF-style: chr2-215674277-T-C.
Other names: c.17A>G, p.Gln6Arg (NM_001282543.2, NM_001282545.2, NM_001282548.2 and 1 more transcripts); short protein forms Q6R.
Identifiers: ClinVar variation 219745 (VCV000219745.15), dbSNP rs864622229, ClinGen allele CA349212.